The following is an entry in ClinVar:

NM_000222.3(KIT):c.1425G>T (p.Gln475His)

Gene: KIT (KIT proto-oncogene, receptor tyrosine kinase; plus strand). Cytogenetic location: 4q12.
Variant type: single nucleotide variant.
Coding change: c.1425G>T on transcript NM_000222.3 (MANE Select); coding-DNA position 1425, G replaced by T.
Protein change: p.Gln475His; replaces glutamine 475 with histidine.
Molecular consequence: missense variant.
Genome position (GRCh38, 1-based): chr4:54,725,935, G>T. VCF-style: chr4-54725935-G-T. GRCh37 (hg19) VCF-style: chr4-55592101-G-T.
Other names: c.1425G>T, p.Gln475His (NM_001093772.2, NM_001385285.1, NM_001385286.1); c.1428G>T, p.Gln476His (NM_001385284.1, NM_001385288.1, NM_001385290.1 and 1 more transcripts); short protein forms Q475H, Q476H.
Identifiers: ClinVar variation 4714178 (VCV004714178.1).

ClinVar aggregate classification (germline): Uncertain significance (1 of 4 stars; one submission).

Conditions:
Gastrointestinal stromal tumor. Also called: Gastrointestinal stromal tumor, somatic; Gastrointestinal stroma tumor. Identifiers: Orphanet 44890, MedGen C0238198, MeSH D046152, MONDO:0011719, OMIM 606764, HP:0100723.

Submission:

Labcorp Genetics (formerly Invitae), Labcorp
Classification: Uncertain significance for Gastrointestinal stromal tumor. Last evaluated: 2025-03-02. Review status: criteria provided, single submitter. Criteria: Invitae Variant Classification Sherloc (09022015). Collection method: clinical testing. Allele origin: germline.
Comment: This sequence change replaces glutamine, which is neutral and polar, with histidine, which is basic and polar, at codon 475 of the KIT protein (p.Gln475His). This variant is not present in population databases (gnomAD no frequency). This variant has not been reported in the literature in individuals affected with KIT-related conditions. An algorithm developed to predict the effect of missense changes on protein structure and function outputs the following: PolyPhen-2: "Benign". The histidine amino acid residue is found in multiple mammalian species, which suggests that this missense change does not adversely affect protein function. In summary, the available evidence is currently insufficient to determine the role of this variant in disease. Therefore, it has been classified as a Variant of Uncertain Significance.